The following is an entry in ClinVar:

NM_000257.4(MYH7):c.1857C>T (p.Thr619=)

Gene: MYH7 (myosin heavy chain 7; minus strand). Cytogenetic location: 14q11.2.
Variant type: single nucleotide variant.
Coding change: c.1857C>T on transcript NM_000257.4 (MANE Select); coding-DNA position 1857, C replaced by T.
Protein change: p.Thr619=; no amino-acid change (threonine 619 retained).
Molecular consequence: synonymous variant.
Genome position (GRCh38, 1-based): chr14:23,427,616, G>A on the plus strand (C>T on the coding strand, the complement: MYH7 is on the minus strand). VCF-style: chr14-23427616-G-A. GRCh37 (hg19) VCF-style: chr14-23896825-G-A.
Identifiers: ClinVar variation 924186 (VCV000924186.10), dbSNP rs770770421, ClinGen allele CA029475.

ClinVar aggregate classification (germline): Likely benign. Review status: criteria provided, multiple submitters, no conflicts (2 of 4 stars). 3 submissions from 3 submitters: Likely benign (3). Last evaluated 2023-08-15.

Conditions:
Hypertrophic cardiomyopathy. Also called: HYPERTROPHIC MYOCARDIOPATHY. Identifiers: Orphanet 217569, MedGen C0007194, MeSH D002312, MONDO:0005045, HP:0001639.
Cardiomyopathy (CMYO). Also called: Cardiomyopathies. Identifiers: Orphanet 167848, MedGen C0878544, MONDO:0004994, HP:0001638. Inheritance: Various modes of inheritance.

Allele frequency attached by ClinVar (database versions not stated): gnomAD exomes below 0.00001 and 0.00001; gnomAD 0.00001; ExAC 0.00002; TOPMed 0.00002.
gnomAD v4.1: 2 of 1,614,092 alleles (0.00012%); highest among the groups gnomAD compares: African/African-American, 0.0013%; no homozygotes.

Submissions (3):

All of Us Research Program, National Institutes of Health
Classification: Likely benign for Cardiomyopathy. Last evaluated: 2023-08-15. Review status: criteria provided, single submitter. Criteria: ACMG Guidelines, 2015. Collection method: clinical testing. Allele origin: germline. Inheritance: Autosomal dominant inheritance. Observed: 1 variant allele, 1 heterozygote.
Comment: This study involves interpretation of variants in research participants for the purpose of population health screening. Participant phenotype was not available at the time of variant classification. Additional details can be found in publication PMID: 35346344, PMCID: PMC8962531

Labcorp Genetics (formerly Invitae), Labcorp
Classification: Likely benign for Hypertrophic cardiomyopathy. Last evaluated: 2022-07-13. Review status: criteria provided, single submitter. Criteria: Invitae Variant Classification Sherloc (09022015). Collection method: clinical testing. Allele origin: germline.

Color Diagnostics, LLC DBA Color Health
Classification: Likely benign for Cardiomyopathy. Last evaluated: 2019-04-26. Review status: criteria provided, single submitter. Criteria: ACMG Guidelines, 2015. Collection method: clinical testing. Allele origin: germline.